The following is an entry in ClinVar:

NM_000784.4(CYP27A1):c.1369A>G (p.Thr457Ala)

Gene: CYP27A1 (cytochrome P450 family 27 subfamily A member 1; plus strand). Cytogenetic location: 2q35.
Variant type: single nucleotide variant.
Coding change: c.1369A>G on transcript NM_000784.4 (MANE Select); coding-DNA position 1369, A replaced by G.
Protein change: p.Thr457Ala; replaces threonine 457 with alanine.
Molecular consequence: missense variant.
Genome position (GRCh38, 1-based): chr2:218,814,650, A>G. VCF-style: chr2-218814650-A-G. GRCh37 (hg19) VCF-style: chr2-219679373-A-G.
Other names: p.Thr457Ala; short protein forms T457A.
Identifiers: ClinVar variation 895850 (VCV000895850.9), dbSNP rs373870129, ClinGen allele CA65835326.

ClinVar aggregate classification (germline): Uncertain significance. Review status: criteria provided, multiple submitters, no conflicts (2 of 4 stars). 4 submissions from 4 submitters: Uncertain significance (4). Last evaluated 2024-09-09.

Conditions:
Cholestanol storage disease (CTX). Also called: CEREBRAL CHOLESTERINOSIS; CTX: Cerebrotendinous xanthomatosis; Cerebrotendinous Xanthomatosis. Identifiers: Orphanet 909, MedGen C0238052, MONDO:0008948, OMIM 213700.

Allele frequency attached by ClinVar (database versions not stated): gnomAD 0.00001; gnomAD exomes 0.00001 and 0.00002; TOPMed 0.00002; ESP Exome Variant Server 0.00008.
gnomAD v4.1: 39 of 1,613,844 alleles (0.0024%); highest among the groups gnomAD compares: Non-Finnish European, 0.0029%; no homozygotes.

Submissions (4):

Mayo Clinic Laboratories, Mayo Clinic
Classification: Uncertain significance. Last evaluated: 2024-09-09. Review status: criteria provided, single submitter. Criteria: ACMG Guidelines, 2015. Collection method: clinical testing. Allele origin: germline. Observed: 1 variant allele.
Comment: BP4, PM2

GeneDx
Classification: Uncertain significance. Last evaluated: 2024-07-30. Review status: criteria provided, single submitter. Criteria: GeneDx Variant Classification Process June 2021. Collection method: clinical testing. Allele origin: germline.
Comment: In silico analysis supports that this missense variant does not alter protein structure/function; Has not been previously published as pathogenic or benign to our knowledge

Labcorp Genetics (formerly Invitae), Labcorp
Classification: Uncertain significance for Cholestanol storage disease. Last evaluated: 2022-08-09. Review status: criteria provided, single submitter. Criteria: Invitae Variant Classification Sherloc (09022015). Collection method: clinical testing. Allele origin: germline.
Comment: This sequence change replaces threonine, which is neutral and polar, with alanine, which is neutral and non-polar, at codon 457 of the CYP27A1 protein (p.Thr457Ala). This variant is not present in population databases (gnomAD no frequency). This variant has not been reported in the literature in individuals affected with CYP27A1-related conditions. ClinVar contains an entry for this variant (Variation ID: 895850). Advanced modeling of protein sequence and biophysical properties (such as structural, functional, and spatial information, amino acid conservation, physicochemical variation, residue mobility, and thermodynamic stability) performed at Invitae indicates that this missense variant is not expected to disrupt CYP27A1 protein function. In summary, the available evidence is currently insufficient to determine the role of this variant in disease. Therefore, it has been classified as a Variant of Uncertain Significance.

Illumina Laboratory Services, Illumina
Classification: Uncertain significance for Cholestanol storage disease. Last evaluated: 2018-01-12. Review status: criteria provided, single submitter. Criteria: ICSL Variant Classification Criteria 13 December 2019. Collection method: clinical testing. Allele origin: germline.